The following is an entry in ClinVar:

NM_001365276.2(TNXB):c.2387C>T (p.Ala796Val)

Gene: TNXB (tenascin XB; minus strand). Cytogenetic location: 6p21.33.
Variant type: single nucleotide variant.
Coding change: c.2387C>T on transcript NM_001365276.2 (MANE Select); coding-DNA position 2387, C replaced by T.
Protein change: p.Ala796Val; replaces alanine 796 with valine.
Molecular consequence: missense variant.
Genome position (GRCh38, 1-based): chr6:32,089,351, G>A on the plus strand (C>T on the coding strand, the complement: TNXB is on the minus strand). VCF-style: chr6-32089351-G-A. GRCh37 (hg19) VCF-style: chr6-32057128-G-A.
Other names: c.2387C>T, p.Ala796Val (NM_019105.8); short protein forms A796V.
Identifiers: ClinVar variation 1218498 (VCV001218498.8), dbSNP rs1424442086, ClinGen allele CA363464763.
Genomic context (GRCh38, chr6:32,089,351, plus strand): 5'-TACTCCTGTCCAGGGGCCAGTCCTCTCTGGTCATAGGCTGAGGCAGAGCTTGGAACCCGT[G>A]CTGTGAATGGGGGGCTCGCCCCCTCTGTCTGTGAGAGAGAGCACCAGGTGGCTCAGGGGC-3'
Protein context (NP_001352205.1, residues 786-806): TTEGASPPFT[Ala796Val]RVPSSASAYD

ClinVar aggregate classification (germline): Uncertain significance. Review status: criteria provided, multiple submitters, no conflicts (2 of 4 stars). 2 submissions from 2 submitters: Uncertain significance (2). Last evaluated 2025-07-09.

Conditions:
Cardiovascular phenotype. Identifiers: MedGen CN230736.

Allele frequency attached by ClinVar (database versions not stated): gnomAD exomes below 0.00001 and 0.00001; TOPMed below 0.00001.
gnomAD v4.1: 5 of 1,608,154 alleles (0.00031%); highest among the groups gnomAD compares: South Asian, 0.0011%; no homozygotes.

Submissions (2):

GeneDx
Classification: Uncertain significance. Last evaluated: 2025-07-09. Review status: criteria provided, single submitter. Criteria: GeneDx Variant Classification Process June 2021. Collection method: clinical testing. Allele origin: germline. Affected: yes.
Comment: Not observed at significant frequency in large population cohorts (gnomAD); In silico analysis suggests that this missense variant does not alter protein structure/function; Has not been previously published as pathogenic or benign to our knowledge

Ambry Genetics
Classification: Uncertain significance for Cardiovascular phenotype. Last evaluated: 2025-01-31. Review status: criteria provided, single submitter. Criteria: Ambry Variant Classification Scheme 2023. Collection method: clinical testing. Allele origin: germline.
Comment: The p.A796V variant (also known as c.2387C>T), located in coding exon 4 of the TNXB gene, results from a C to T substitution at nucleotide position 2387. The alanine at codon 796 is replaced by valine, an amino acid with similar properties. This amino acid position is conserved. In addition, this alteration is predicted to be tolerated by in silico analysis. Based on the available evidence, the clinical significance of this variant remains unclear.